The following is an entry in ClinVar:

ClinVar aggregate classification (germline): Pathogenic/Likely pathogenic. Review status: criteria provided, multiple submitters, no conflicts (2 of 4 stars). 13 submissions from 12 submitters: Pathogenic (10); Likely pathogenic (1). 2 of the submissions do not count toward it. Last evaluated 2026-03-17.

Conditions:
BARD1-related disorder. Also called: BARD1-related condition.
Malignant tumor of breast. Also called: Malignant breast neoplasm; Cancer breast. Identifiers: MedGen C0006142, MONDO:0007254. Disease mechanism: loss of function.
Familial cancer of breast. Also called: BREAST CANCER, FAMILIAL; Hereditary breast cancer; hereditary breast carcinoma. Identifiers: Orphanet 227535, MedGen C0346153, MONDO:0016419, OMIM 114480. Disease mechanism: loss of function.
Hereditary cancer-predisposing syndrome. Also called: Tumor predisposition; Neoplastic Syndromes, Hereditary; Hereditary Cancer Syndrome; Hereditary neoplastic syndrome. Identifiers: Orphanet 140162, MedGen C0027672, MeSH D009386, MONDO:0015356.

Submissions (13):

Dasa
Classification: Pathogenic. Last evaluated: 2026-03-17. Review status: criteria provided, single submitter. Criteria: DASA Assertion Criteria. Collection method: clinical testing. Allele origin: germline.
Comment: NM_000465.4(BARD1):c.176_177del (p.Glu59AlafsTer8) introduces a premature termination codon predicted to result in loss of normal protein function. Loss-of-function is an established mechanism of disease for this gene. This variant has been recurrently observed in individuals with related phenotype (PMID: 24549055; PMID: 33498765). The variant is present at low frequency in population datasets. Based on the available data, this variant is classified as pathogenic.

Labcorp Genetics (formerly Invitae), Labcorp
Classification: Pathogenic for Familial cancer of breast. Last evaluated: 2025-05-12. Review status: criteria provided, single submitter. Criteria: Invitae Variant Classification Sherloc (09022015). Collection method: clinical testing. Allele origin: germline.
Comment: This sequence change creates a premature translational stop signal (p.Glu59Alafs*8) in the BARD1 gene. It is expected to result in an absent or disrupted protein product. Loss-of-function variants in BARD1 are known to be pathogenic (PMID: 20077502, 21344236). This variant is not present in population databases (gnomAD no frequency). This premature translational stop signal has been observed in individual(s) with hereditary breast and ovarian cancer (PMID: 24549055). ClinVar contains an entry for this variant (Variation ID: 371931). For these reasons, this variant has been classified as Pathogenic.

Ambry Genetics
Classification: Pathogenic for Hereditary cancer-predisposing syndrome. Last evaluated: 2025-01-29. Review status: criteria provided, single submitter. Criteria: Ambry Variant Classification Scheme 2023. Collection method: clinical testing. Allele origin: germline.
Comment: The c.176_177delAG pathogenic mutation, located in coding exon 2 of the BARD1 gene, results from a deletion of two nucleotides at nucleotide positions 176 to 177, causing a translational frameshift with a predicted alternate stop codon (p.E59Afs*8). This alteration has been identified in individuals diagnosed with breast and/or ovarian cancer and Ewing sarcoma (Cast&eacute;ra L et al. Eur. J. Hum. Genet. 2014 Nov;22(11):1305-13; Venier RE et al. Pediatr Blood Cancer, 2019 09;66:e27824; Lerner-Ellis J et al. J Cancer Res Clin Oncol, 2021 Mar;147:871-879; Rofes P et al. Genes (Basel), 2021 01;12:; Sandoval RL et al. PLoS One, 2021 Feb;16:e0247363). This variant is considered to be rare based on population cohorts in the Genome Aggregation Database (gnomAD). In addition to the clinical data presented in the literature, this alteration is expected to result in loss of function by premature protein truncation or nonsense-mediated mRNA decay. As such, this alteration is interpreted as a disease-causing mutation.

Blueprint Genetics
Classification: Pathogenic for BARD1-related disorders. Last evaluated: 2024-11-12. Review status: criteria provided, single submitter. Criteria: ACMG Guidelines, 2015. Collection method: clinical testing. Allele origin: germline. Affected: yes. Observed: 4 variant alleles.

Mayo Clinic Laboratories, Mayo Clinic
Classification: Likely pathogenic. Last evaluated: 2024-09-10. Review status: criteria provided, single submitter. Criteria: ACMG Guidelines, 2015. Collection method: clinical testing. Allele origin: germline. Observed: 1 variant allele.
Comment: PM2, PVS1

Color Diagnostics, LLC DBA Color Health
Classification: Pathogenic for Hereditary cancer-predisposing syndrome. Last evaluated: 2024-03-06. Review status: criteria provided, single submitter. Criteria: ACMG Guidelines, 2015. Collection method: clinical testing. Allele origin: germline.
Comment: This variant deletes 2 nucleotides in exon 2 of the BARD1 gene, creating a frameshift and premature translation stop signal. This variant is expected to result in an absent or non-functional protein product. This variant has been reported in individuals with personal and/or family history of breast and/or ovarian cancer (PMID: 24549055, 33498765, 33606809, 36329109, 37239058). This variant has not been identified in the general population by the Genome Aggregation Database (gnomAD). Loss of BARD1 function is a known mechanism of disease. Based on the available evidence, this variant is classified as Pathogenic.

Myriad Genetics, Inc.
Classification: Pathogenic for Familial cancer of breast. Last evaluated: 2023-02-23. Review status: criteria provided, single submitter. Criteria: Myriad Autosomal Dominant, Autosomal Recessive and X-Linked Classification Criteria (2023). Collection method: clinical testing. Allele origin: unknown.
Comment: This variant is considered pathogenic. This variant creates a frameshift predicted to result in premature protein truncation.

GeneDx
Classification: Pathogenic. Last evaluated: 2022-12-19. Review status: criteria provided, single submitter. Criteria: GeneDx Variant Classification Process June 2021. Collection method: clinical testing. Allele origin: germline. Affected: yes.
Comment: Frameshift variant predicted to result in protein truncation or nonsense mediated decay in a gene for which loss of function is a known mechanism of disease; Not observed at significant frequency in large population cohorts (gnomAD); Identified in patients with breast or ovarian cancer (Castera et al., 2014; Lerner-Ellis et al., 2021; Rofes et al., 2021; Sandoval et al., 2021; Guindalini et al., 2022; Matta et al., 2022); This variant is associated with the following publications: (PMID: 24549055, 21344236, 20077502, 32708251, 36329109, 35264596, 32885271, 31157509, 33498765, 33606809)

Laboratorio de Genetica e Diagnostico Molecular, Hospital Israelita Albert Einstein
Classification: Pathogenic for Familial cancer of breast. Last evaluated: 2022-09-23. Review status: criteria provided, single submitter. Criteria: ACMG Guidelines, 2015. Collection method: clinical testing. Allele origin: germline. Affected: yes. Observed: 1 variant allele.
Comment: ACMG classification criteria: PVS1 very strong, PS4 supporting, PM2 moderated

Mendelics
Classification: Pathogenic for Familial cancer of breast. Last evaluated: 2018-07-02. Review status: criteria provided, single submitter. Criteria: Mendelics Assertion Criteria 2017. Collection method: clinical testing. Allele origin: unknown.

Department of Pathology and Laboratory Medicine, Sinai Health System
Classification: Pathogenic for Familial cancer of breast. Last evaluated: 2017-08-18. Review status: criteria provided, single submitter. Criteria: ACMG Guidelines, 2015. Collection method: clinical testing. Allele origin: germline. Affected: yes.

Counsyl
Classification: Likely pathogenic for Familial cancer of breast. Last evaluated: 2016-08-22. Review status: no assertion criteria provided. Collection method: clinical testing. Allele origin: unknown. Not counted in ClinVar's aggregate classification.

Department of Pathology and Laboratory Medicine, Sinai Health System
Classification: Pathogenic for Malignant tumor of breast. Review status: no assertion criteria provided. Collection method: clinical testing. Allele origin: unknown. Affected: yes. Study: The Canadian Open Genetics Repository (COGR). Not counted in ClinVar's aggregate classification.
Comment: The BARD1 p.Glu59AlafsX8 variant was identified in 1 of 1416 proband chromosomes (frequency: 0.0007) from individuals or families with hereditary breast and ovarian cancer (Castera 2014). The variant was also identified in ClinVar (as pathogenic by Invitae and likely pathogenic by Counsyl), and Clinvitae (2x). The variant was not identified in the dbSNP, Cosmic, MutDB, or Zhejiang Colon Cancer databases. The variant was not identified in the 1000 Genomes Project, the NHLBI GO Exome Sequencing Project or the Exome Aggregation Consortium (August 8th 2016). The c.176_177delAG variant is predicted to cause a frameshift, which alters the protein's amino acid sequence beginning at codon 59 and leads to a premature stop codon at position 66. This alteration is then predicted to result in a truncated or absent protein and loss of function. Loss of function variants of the BARD1 gene are an established mechanism of disease in hereditary breast and ovarian cancer and is the type of variant expected to cause the disorder. In summary, based on the above information this variant meets our laboratoryâ€šÃ„Ã´s criteria to be classified as pathogenic.

Literature cited by the submitters: PubMed 24549055 (cited by 6 submitters); PubMed 33498765 (cited by 4 submitters); PubMed 20077502 (cited by Labcorp Genetics (formerly Invitae), Labcorp); PubMed 21344236 (cited by Labcorp Genetics (formerly Invitae), Labcorp); PubMed 31157509 (cited by Ambry Genetics); PubMed 32885271 (cited by Ambry Genetics); PubMed 33606809 (cited by Ambry Genetics and Color Diagnostics, LLC DBA Color Health); PubMed 35264596 (cited by Mayo Clinic Laboratories, Mayo Clinic); PubMed 35534704 (cited by Mayo Clinic Laboratories, Mayo Clinic); PubMed 35957908 (cited by Mayo Clinic Laboratories, Mayo Clinic); PubMed 36329109 (cited by Color Diagnostics, LLC DBA Color Health); PubMed 37239058 (cited by Color Diagnostics, LLC DBA Color Health).

NM_000465.4(BARD1):c.176_177del (p.Glu59fs)

Gene: BARD1 (BRCA1 associated RING domain 1; minus strand). Cytogenetic location: 2q35.
Variant type: Microsatellite.
Coding change: c.176_177del on transcript NM_000465.4 (MANE Select); coding-DNA positions 176 to 177, 2 bases deleted (AG; older notation c.176_177delAG).
Protein change: p.Glu59fs; shifts the reading frame from glutamic acid 59.
Molecular consequence: frameshift variant. On other transcripts: non-coding transcript variant (2), intron variant (2).
Genome position (GRCh38, 1-based): chr2:214,797,099-214,797,100, CT deleted on the plus strand (AG on the coding strand, the reverse complement: BARD1 is on the minus strand); deleting any 2 consecutive bases within chr2:214,797,099-214,797,105 gives the same sequence; the c. name uses the placement nearest the transcript's 3' end. VCF-style (leftmost placement, unchanged base first): chr2-214797098-GCT-G. GRCh37 (hg19) VCF-style: chr2-215661822-GCT-G.
Other names: p.Glu59Alafs*8; c.176_177del, p.Glu59fs (NM_001282545.2, NM_001282549.2); c.158+12308AG[2] (NM_001282548.2); c.159-4659AG[2] (NM_001282543.2); c.176_177del (NM_000465.3, NM_000465.2); short protein forms E59fs.
Identifiers: ClinVar variation 371931 (VCV000371931.33), dbSNP rs1057517589, ClinGen allele CA16042053.
Genomic context (GRCh38, chr2:214,797,098, plus strand): 5'-TACATCAAACCGTAATTACTTACCTACAGAAGATGTGCTCACATCCTCCTAAACACACAG[GCT>G]CTCTCAGAATGTTAGTACTGTTTGAAGAAATTAAAACAATCAAGATTTGAGTCATTGTTA-3'